The following is an entry in ClinVar:

ClinVar aggregate classification (germline): Likely benign (1 of 4 stars; one submission).

Conditions:
Emery-Dreifuss muscular dystrophy 5, autosomal dominant (EDMD5). Also called: EMERY-DREIFUSS MUSCULAR DYSTROPHY 5. Identifiers: Orphanet 261, MedGen C2751805, MONDO:0013072, OMIM 612999.

Allele frequency attached by ClinVar (database versions not stated): ExAC 0.00002; gnomAD exomes 0.00006 and 0.00025; TOPMed 0.00012; gnomAD 0.00013; 1000 Genomes Project 30x 0.00016; 1000 Genomes Project 0.00020.
gnomAD v4.1: 379 of 1,614,156 alleles (0.023%); highest among the groups gnomAD compares: Middle Eastern, 0.033%; no homozygotes.

Submission:

Illumina Laboratory Services, Illumina
Classification: Likely benign for Emery-Dreifuss muscular dystrophy 5, autosomal dominant. Last evaluated: 2018-01-12. Review status: criteria provided, single submitter. Criteria: ICSL Variant Classification Criteria 13 December 2019. Collection method: clinical testing. Allele origin: germline.
Comment: This variant was observed in the ICSL laboratory as part of a predisposition screen in an ostensibly healthy population. It had not been previously curated by ICSL or reported in the Human Gene Mutation Database (HGMD: prior to June 1st, 2018), and was therefore a candidate for classification through an automated scoring system. Utilizing variant allele frequency, disease prevalence and penetrance estimates, and inheritance mode, an automated score was calculated to assess if this variant is too frequent to cause the disease. Based on the score and internal cut-off values, a variant classified as likely benign is not then subjected to further curation. The score for this variant resulted in a classification of likely benign for this disease.

NM_182914.3(SYNE2):c.11549A>G (p.Asp3850Gly)

Gene: SYNE2 (spectrin repeat containing nuclear envelope protein 2; plus strand). Cytogenetic location: 14q23.2.
Variant type: single nucleotide variant.
Coding change: c.11549A>G on transcript NM_182914.3 (MANE Select); coding-DNA position 11549, A replaced by G.
Protein change: p.Asp3850Gly; replaces aspartic acid 3850 with glycine.
Molecular consequence: missense variant.
Genome position (GRCh38, 1-based): chr14:64,087,735, A>G. VCF-style: chr14-64087735-A-G. GRCh37 (hg19) VCF-style: chr14-64554453-A-G.
Other names: c.11549A>G, p.Asp3850Gly (NM_015180.6); short protein forms D3850G.
Identifiers: ClinVar variation 313559 (VCV000313559.5), dbSNP rs527339341, ClinGen allele CA7221848.
Genomic context (GRCh38, chr14:64,087,735, plus strand): 5'-CTTTGGAAGATTCAGAACAGAAGCACAATCTTTTACATTCAATCTTTATGGATCTAGAAG[A>G]CCTGTCAATAATTTTTGAAACAGATGAATTAACCCAATCCATACAAGAGTTAAGTAATCA-3'
Protein context (NP_878918.2, residues 3840-3860): LLHSIFMDLE[Asp3850Gly]LSIIFETDEL